The following is an entry in ClinVar:

NM_004036.5(ADCY3):c.2500C>T (p.Pro834Ser)

Gene: ADCY3 (adenylate cyclase 3; minus strand). Cytogenetic location: 2p23.3.
Variant type: single nucleotide variant.
Coding change: c.2500C>T on transcript NM_004036.5 (MANE Select); coding-DNA position 2500, C replaced by T.
Protein change: p.Pro834Ser; replaces proline 834 with serine.
Molecular consequence: missense variant. On other transcripts: intron variant (1).
Genome position (GRCh38, 1-based): chr2:24,826,122, G>A on the plus strand (C>T on the coding strand, the complement: ADCY3 is on the minus strand). VCF-style: chr2-24826122-G-A. GRCh37 (hg19) VCF-style: chr2-25048991-G-A.
Other names: c.2503C>T, p.Pro835Ser (NM_001320613.2); c.2566C>T, p.Pro856Ser (NM_001377128.1); c.2362C>T, p.Pro788Ser (NM_001377129.1); c.1777C>T, p.Pro593Ser (NM_001377131.1); c.2500C>T, p.Pro834Ser (NM_001377132.1); c.2173-1586C>T (NM_001377130.1); short protein forms P593S, P788S, P834S, P835S, P856S.
Identifiers: ClinVar variation 3350461 (VCV003350461.2).

ClinVar aggregate classification (germline): Uncertain significance (1 of 4 stars; one submission).

Conditions:
ADCY3-related disorder. Also called: ADCY3-related condition.

Submission:

PreventionGenetics, part of Exact Sciences
Classification: Uncertain significance for ADCY3-related condition. Last evaluated: 2026-08-14. Review status: criteria provided, single submitter. Criteria: ACMG Guidelines, 2015. Collection method: clinical testing. Allele origin: germline.
Comment: The ADCY3 c.2503C>T variant is predicted to result in the amino acid substitution p.Pro835Ser. To our knowledge, this variant has not been reported in the literature. This variant is reported in 0.052% of alleles in individuals of Latino descent in gnomAD. Although we suspect that this variant may be benign, at this time, the clinical significance of this variant is uncertain due to the absence of conclusive functional and genetic evidence.